The following is an entry in ClinVar:

ClinVar aggregate classification (germline): Benign/Likely benign. Review status: criteria provided, multiple submitters, no conflicts (2 of 4 stars). 9 submissions from 9 submitters: Benign (6); Likely benign (1). 2 of the submissions do not count toward it. Last evaluated 2026-02-04.

Conditions:
Left ventricular noncompaction 8 (LVNC8). Identifiers: Orphanet 154, Orphanet 54260, MedGen C3809288, MONDO:0014152, OMIM 615373.

Allele frequency attached by ClinVar (database versions not stated): 1000 Genomes Project 30x 0.10978; gnomAD exomes 0.12298 and 0.13481; ExAC 0.13103; gnomAD 0.14020 and 0.14386; TOPMed 0.14260; ESP Exome Variant Server 0.15231; 1000 Genomes Project 0.10603.
gnomAD v4.1: 214,871 of 1,586,060 alleles (14%); highest among the groups gnomAD compares: Middle Eastern, 24%; 15,641 homozygotes.

Submissions (9):

Labcorp Genetics (formerly Invitae), Labcorp
Classification: Benign for Left ventricular noncompaction 8. Last evaluated: 2026-02-04. Review status: criteria provided, single submitter. Criteria: Invitae Variant Classification Sherloc (09022015). Collection method: clinical testing. Allele origin: germline.

Genome-Nilou Lab
Classification: Benign for Left ventricular noncompaction 8. Last evaluated: 2023-04-11. Review status: criteria provided, single submitter. Criteria: ACMG Guidelines, 2015. Collection method: clinical testing. Allele origin: germline. Affected: no.

Women's Health and Genetics/Laboratory Corporation of America, LabCorp
Classification: Likely benign. Last evaluated: 2023-04-10. Review status: criteria provided, single submitter. Criteria: LabCorp Variant Classification Summary - May 2015. Collection method: clinical testing. Allele origin: germline.

Mayo Clinic Laboratories, Mayo Clinic
Classification: Benign. Last evaluated: 2022-04-26. Review status: criteria provided, single submitter. Criteria: ACMG Guidelines, 2015. Collection method: clinical testing. Allele origin: germline. Observed: 192 variant alleles.

GeneDx
Classification: Benign. Last evaluated: 2016-09-23. Review status: criteria provided, single submitter. Criteria: GeneDx Variant Classification (06012015). Collection method: clinical testing. Allele origin: germline. Affected: yes.
Comment: This variant is considered likely benign or benign based on one or more of the following criteria: it is a conservative change, it occurs at a poorly conserved position in the protein, it is predicted to be benign by multiple in silico algorithms, and/or has population frequency not consistent with disease.

Laboratory for Molecular Medicine, Mass General Brigham Personalized Medicine
Classification: Benign. Last evaluated: 2014-11-24. Review status: criteria provided, single submitter. Criteria: LMM Criteria. Collection method: clinical testing. Allele origin: germline. Observed: 149 variant alleles.
Comment: Pro633Leu in exon 9 of PRDM16: This variant is not expected to have clinical sig nificance because it has been identified in 15.4% (659/4286) of African American chromosomes from a broad population by the NHLBI Exome Sequencing Project (dbSNP rs2493292).

Breakthrough Genomics
Classification: Benign. Review status: criteria provided, single submitter. Criteria: ACMG Guidelines, 2015. Collection method: not provided. Allele origin: germline. Inheritance: Autosomal dominant inheritance. Affected: yes.

Clinical Genetics DNA and cytogenetics Diagnostics Lab, Erasmus MC, Erasmus Medical Center
Classification: Benign. Review status: no assertion criteria provided. Collection method: clinical testing. Allele origin: germline. Affected: yes. Study: VKGL Data-share Consensus. Not counted in ClinVar's aggregate classification.

Clinical Genetics, Academic Medical Center
Classification: Benign. Review status: no assertion criteria provided. Collection method: clinical testing. Allele origin: germline. Affected: yes. Study: VKGL Data-share Consensus. Not counted in ClinVar's aggregate classification.

NM_022114.4(PRDM16):c.1898C>T (p.Pro633Leu)

Gene: PRDM16 (PR/SET domain 16; plus strand). Cytogenetic location: 1p36.32.
Variant type: single nucleotide variant.
Coding change: c.1898C>T on transcript NM_022114.4 (MANE Select); coding-DNA position 1898, C replaced by T.
Protein change: p.Pro633Leu; replaces proline 633 with leucine.
Molecular consequence: missense variant.
Genome position (GRCh38, 1-based): chr1:3,412,095, C>T. VCF-style: chr1-3412095-C-T. GRCh37 (hg19) VCF-style: chr1-3328659-C-T.
Other names: c.1898C>T, p.Pro633Leu (NM_199454.3); short protein forms P633L.
Identifiers: ClinVar variation 227027 (VCV000227027.20), dbSNP rs2493292, ClinGen allele CA544328.